The following is an entry in ClinVar:

ClinVar aggregate classification (germline): Benign (1 of 4 stars; one submission).

Conditions:
POLD1-related polyposis and colorectal cancer syndrome (CRCS10). Also called: Colorectal cancer 10; COLORECTAL CANCER, SUSCEPTIBILITY TO, ON CHROMOSOME 19q; Colorectal cancer, susceptibility to, 10. Identifiers: Orphanet 220460, MedGen C2675481, MONDO:0012953, OMIM 612591.

Submission:

Myriad Genetics, Inc.
Classification: Benign for POLD1-related polyposis and colorectal cancer syndrome. Last evaluated: 2025-02-04. Review status: criteria provided, single submitter. Criteria: Myriad Autosomal Dominant, Autosomal Recessive and X-Linked Classification Criteria (2023). Collection method: clinical testing. Allele origin: unknown.
Comment: This variant is considered benign. This variant is a silent/synonymous amino acid change and it is not expected to impact splicing.

NM_002691.4(POLD1):c.855G>A (p.Gln285=)

Gene: POLD1 (DNA polymerase delta 1, catalytic subunit; plus strand). Cytogenetic location: 19q13.33.
Variant type: single nucleotide variant.
Coding change: c.855G>A on transcript NM_002691.4 (MANE Select); coding-DNA position 855, G replaced by A.
Protein change: p.Gln285=; no amino-acid change (glutamine 285 retained).
Molecular consequence: synonymous variant. On other transcripts: non-coding transcript variant (1).
Genome position (GRCh38, 1-based): chr19:50,402,626, G>A. VCF-style: chr19-50402626-G-A. GRCh37 (hg19) VCF-style: chr19-50905883-G-A.
Other names: c.855G>A, p.Gln285= (NM_001256849.1, NM_001308632.1).
Identifiers: ClinVar variation 3904194 (VCV003904194.1).